The following is an entry in ClinVar:

NM_020937.4(FANCM):c.4343C>T (p.Ser1448Phe)

Gene: FANCM (FA complementation group M; plus strand). Cytogenetic location: 14q21.2.
Variant type: single nucleotide variant.
Coding change: c.4343C>T on transcript NM_020937.4 (MANE Select); coding-DNA position 4343, C replaced by T.
Protein change: p.Ser1448Phe; replaces serine 1448 with phenylalanine.
Molecular consequence: missense variant.
Genome position (GRCh38, 1-based): chr14:45,181,662, C>T. VCF-style: chr14-45181662-C-T. GRCh37 (hg19) VCF-style: chr14-45650865-C-T.
Other names: c.4343C>T (NM_020937.3); c.4265C>T, p.Ser1422Phe (NM_001308133.2); short protein forms S1422F, S1448F.
Identifiers: ClinVar variation 839741 (VCV000839741.10), dbSNP rs774526380, ClinGen allele CA7169700.

ClinVar aggregate classification (germline): Uncertain significance. Review status: criteria provided, multiple submitters, no conflicts (2 of 4 stars). 2 submissions from 2 submitters: Uncertain significance (2). Last evaluated 2024-04-01.

Conditions:
Fanconi anemia (FA). Also called: Fanconi's anemia. Identifiers: Orphanet 84, MedGen C0015625, MeSH D005199, MONDO:0019391.

Allele frequency attached by ClinVar (database versions not stated): ExAC 0.00001; gnomAD 0.00001; gnomAD exomes 0.00001; TOPMed 0.00001.
gnomAD v4.1: 26 of 1,610,688 alleles (0.0016%); highest among the groups gnomAD compares: South Asian, 0.0033%; no homozygotes.

Submissions (2):

Labcorp Genetics (formerly Invitae), Labcorp
Classification: Uncertain significance for Fanconi anemia. Last evaluated: 2024-04-01. Review status: criteria provided, single submitter. Criteria: Invitae Variant Classification Sherloc (09022015). Collection method: clinical testing. Allele origin: germline.
Comment: This sequence change replaces serine, which is neutral and polar, with phenylalanine, which is neutral and non-polar, at codon 1448 of the FANCM protein (p.Ser1448Phe). This variant is present in population databases (rs774526380, gnomAD 0.003%). This variant has not been reported in the literature in individuals affected with FANCM-related conditions. ClinVar contains an entry for this variant (Variation ID: 839741). An algorithm developed to predict the effect of missense changes on protein structure and function (PolyPhen-2) suggests that this variant is likely to be disruptive. In summary, the available evidence is currently insufficient to determine the role of this variant in disease. Therefore, it has been classified as a Variant of Uncertain Significance.

Quest Diagnostics Nichols Institute San Juan Capistrano
Classification: Uncertain significance. Last evaluated: 2023-09-08. Review status: criteria provided, single submitter. Criteria: Quest Diagnostics criteria. Collection method: clinical testing. Allele origin: unknown.
Comment: In a large-scale breast cancer association study, the variant was observed in individuals with breast cancer (PMID: 33471991 (2021), see also LOVD). The frequency of this variant in the general population, 0.000008 (2/249954 chromosomes (Genome Aggregation Database)), is uninformative in the assessment of its pathogenicity. Analysis of this variant using bioinformatics tools for the prediction of the effect of amino acid changes on protein structure and function yielded conflicting predictions that this variant is benign or damaging. Based on the available information, we are unable to determine the clinical significance of this variant.

Literature cited by the submitters: PubMed 33471991 (cited by Quest Diagnostics Nichols Institute San Juan Capistrano).